The following is an entry in ClinVar:

ClinVar aggregate classification (germline): Conflicting classifications of pathogenicity. Review status: criteria provided, conflicting classifications (1 of 4 stars). 3 submissions from 3 submitters: Uncertain significance (2); Likely benign (1). Last evaluated 2024-08-15.

Conditions:
CACNA1S-related disorder. Also called: CACNA1S-related condition.
Hypokalemic periodic paralysis, type 1. Also called: Hypokalemic Periodic Paralysis Type 1 (AD); HypoPP. Identifiers: Orphanet 681, MedGen C3714580, MONDO:0042979, OMIM 170400.
Malignant hyperthermia, susceptibility to, 5 (MHS5). Also called: CACNA1S-Related Malignant Hyperthermia Susceptibility. Identifiers: Orphanet 423, MedGen C1866077, MONDO:0011163, OMIM 601887.

Allele frequency attached by ClinVar (database versions not stated): ExAC 0.00001.
gnomAD v4.1: 4 of 1,613,942 alleles (0.00025%); highest among the groups gnomAD compares: Admixed American, 0.0033%; no homozygotes.

Submissions (3):

Labcorp Genetics (formerly Invitae), Labcorp
Classification: Likely benign for Hypokalemic periodic paralysis, type 1; Malignant hyperthermia, susceptibility to, 5. Last evaluated: 2024-08-15. Review status: criteria provided, single submitter. Criteria: Invitae Variant Classification Sherloc (09022015). Collection method: clinical testing. Allele origin: germline.

All of Us Research Program, National Institutes of Health
Classification: Uncertain significance for Malignant hyperthermia, susceptibility to, 5. Last evaluated: 2024-04-25. Review status: criteria provided, single submitter. Criteria: ACMG Guidelines, 2015. Collection method: clinical testing. Allele origin: germline. Inheritance: Autosomal dominant inheritance. Observed: 1 variant allele, 1 heterozygote.
Comment: This missense variant replaces alanine with valine at codon 1736 of the CACNA1S protein. Computational prediction suggests that this variant may not impact protein structure and function (internally defined REVEL score threshold <= 0.5, PMID: 27666373). To our knowledge, functional studies have not been reported for this variant. This variant has not been reported in individuals affected with CACNA1S-related disorders in the literature. This variant has been identified in 2/251224 chromosomes in the general population by the Genome Aggregation Database (gnomAD). The available evidence is insufficient to determine the role of this variant in disease conclusively. Therefore, this variant is classified as a Variant of Uncertain Significance.

This study involves interpretation of variants in research participants for the purpose of population health screening. Participant phenotype was not available at the time of variant classification. Additional details can be found in publication PMID: 35346344, PMCID: PMC8962531

PreventionGenetics, part of Exact Sciences
Classification: Uncertain significance for CACNA1S-related condition. Last evaluated: 2023-01-05. Review status: criteria provided, single submitter. Criteria: ACMG Guidelines, 2015. Collection method: clinical testing. Allele origin: germline.
Comment: The CACNA1S c.5207C>T variant is predicted to result in the amino acid substitution p.Ala1736Val. To our knowledge, this variant has not been reported in the literature. This variant is reported in 0.0058% of alleles in individuals of Latino descent in gnomAD. At this time, the clinical significance of this variant is uncertain due to the absence of conclusive functional and genetic evidence.

NM_000069.3(CACNA1S):c.5207C>T (p.Ala1736Val)

Gene: CACNA1S (calcium voltage-gated channel subunit alpha1 S; minus strand). Cytogenetic location: 1q32.1.
Variant type: single nucleotide variant.
Coding change: c.5207C>T on transcript NM_000069.3 (MANE Select); coding-DNA position 5207, C replaced by T.
Protein change: p.Ala1736Val; replaces alanine 1736 with valine.
Molecular consequence: missense variant.
Genome position (GRCh38, 1-based): chr1:201,040,641, G>A on the plus strand (C>T on the coding strand, the complement: CACNA1S is on the minus strand). VCF-style: chr1-201040641-G-A. GRCh37 (hg19) VCF-style: chr1-201009769-G-A.
Other names: short protein forms A1736V.
Identifiers: ClinVar variation 2629991 (VCV002629991.5), dbSNP rs765797870, ClinGen allele CA083758.
Genomic context (GRCh38, chr1:201,040,641, plus strand): 5'-TCTCTGTATGGAGTTTGCTCCCAGGCCTCTGCCACTGTTACCTGGCAGGGGGCAGGAGGT[G>A]CCTGGCCTCTGGGCATTGCCCTCTGGGTCAGCAGTCCCTTCAGCATCTCCACACAGGGTT-3'
Protein context (NP_000060.2, residues 1726-1746): LTQRAMPRGQ[Ala1736Val]PPAPCQCPRV